The following is an entry in ClinVar:

NM_001148.6(ANK2):c.8416G>T (p.Val2806Phe)

Gene: ANK2 (ankyrin 2; plus strand). Cytogenetic location: 4q26.
Variant type: single nucleotide variant.
Coding change: c.8416G>T on transcript NM_001148.6 (MANE Select); coding-DNA position 8416, G replaced by T.
Protein change: p.Val2806Phe; replaces valine 2806 with phenylalanine.
Molecular consequence: missense variant. On other transcripts: intron variant (68).
Genome position (GRCh38, 1-based): chr4:113,357,034, G>T. VCF-style: chr4-113357034-G-T. GRCh37 (hg19) VCF-style: chr4-114278190-G-T.
Other names: c.8182G>T, p.Val2728Phe (NM_001386142.1); c.4816G>T, p.Val1606Phe (NM_001386166.1); c.8557G>T, p.Val2853Phe (NM_001386174.1); c.8533G>T, p.Val2845Phe (NM_001386175.1); c.4412-3789G>T (NM_001386186.2, NM_001386148.2); c.4214-3789G>T (NM_001354269.3); c.4292-3789G>T (NM_001386187.2); c.4253-3789G>T (NM_001386147.1); and 35 more; short protein forms V2728F, V2853F, V2845F, V1606F, V2806F.
Identifiers: ClinVar variation 4096683 (VCV004096683.1).
Genomic context (GRCh38, chr4:113,357,034, plus strand): 5'-GCTGCTCCTGTCTCTTCAGGTCTACAGAGTCCGACTGGTGATGATGTTGATGAACAGCCA[G>T]TCATCTATAAAGAATCATTAGCTCTCCAAGGCACTCATGAAAAAGACACAGAGGGAGAAG-3'
Protein context (NP_001139.3, residues 2796-2816): PTGDDVDEQP[Val2806Phe]IYKESLALQG

ClinVar aggregate classification (germline): Uncertain significance (1 of 4 stars; one submission).

Conditions:
Cardiovascular phenotype. Identifiers: MedGen CN230736.

gnomAD v4.1: 1 of 1,614,032 alleles (0.000062%); highest among the groups gnomAD compares: East Asian, 0.0022%; no homozygotes.

Submission:

Ambry Genetics
Classification: Uncertain significance for Cardiovascular phenotype. Last evaluated: 2025-08-03. Review status: criteria provided, single submitter. Criteria: Ambry Variant Classification Scheme 2023. Collection method: clinical testing. Allele origin: germline.
Comment: The p.V2806F variant (also known as c.8416G>T), located in coding exon 38 of the ANK2 gene, results from a G to T substitution at nucleotide position 8416. The valine at codon 2806 is replaced by phenylalanine, an amino acid with highly similar properties. This amino acid position is conserved. In addition, this alteration is predicted to be tolerated by in silico analysis. Based on the available evidence, the clinical significance of this variant remains unclear.